The following is an entry in ClinVar:

NM_001134831.2(AHI1):c.662C>G (p.Ser221Ter)

Gene: AHI1 (Abelson helper integration site 1; minus strand). Cytogenetic location: 6q23.3.
Variant type: single nucleotide variant.
Coding change: c.662C>G on transcript NM_001134831.2 (MANE Select); coding-DNA position 662, C replaced by G.
Protein change: p.Ser221Ter; replaces serine 221 with a stop codon.
Molecular consequence: nonsense.
Genome position (GRCh38, 1-based): chr6:135,465,901, G>C on the plus strand (C>G on the coding strand, the complement: AHI1 is on the minus strand). VCF-style: chr6-135465901-G-C. GRCh37 (hg19) VCF-style: chr6-135787039-G-C.
Other names: c.662C>G, p.Ser221Ter (NM_001134830.2, NM_001134832.2, NM_001350503.2 and 2 more transcripts); short protein forms S221*.
Identifiers: ClinVar variation 217538 (VCV000217538.9), dbSNP rs863225138, ClinGen allele CA279475.

ClinVar aggregate classification (germline): Pathogenic. Review status: criteria provided, multiple submitters, no conflicts (2 of 4 stars). 6 submissions from 6 submitters: Pathogenic (6). Last evaluated 2024-04-27.

Conditions:
Joubert syndrome 3 (JBTS3). Also called: AHI1-related Ciliopathy. Identifiers: Orphanet 220493, MedGen C1837713, MONDO:0012078, OMIM 608629.
AHI1-related disorder. Also called: AHI1-related condition.
Joubert syndrome and related disorders. Identifiers: Orphanet 140874, MedGen C5679612, MONDO:0015369.
Joubert syndrome. Also called: Familial aplasia of the vermis; JOUBERT-BOLTSHAUSER SYNDROME. Identifiers: Orphanet 475, MedGen C5979921, MONDO:0018772.

Allele frequency attached by ClinVar (database versions not stated): gnomAD 0.00002; TOPMed 0.00002.
gnomAD v4.1: 9 of 1,588,256 alleles (0.00057%); highest among the groups gnomAD compares: Non-Finnish European, 0.00077%; no homozygotes.

Submissions (6):

Myriad Genetics, Inc.
Classification: Pathogenic for Joubert syndrome 3. Last evaluated: 2024-04-27. Review status: criteria provided, single submitter. Criteria: Myriad Autosomal Dominant, Autosomal Recessive and X-Linked Classification Criteria (2023). Collection method: clinical testing. Allele origin: unknown.
Comment: NM_001134831.1(AHI1):c.662C>G(S221*) is expected to be pathogenic in the context of Joubert syndrome, AHI1-related. This variant is predicted to lead to an abnormal or absent protein product due to the creation of a premature termination codon in AHI1, a gene where loss-of-function variants are known to be pathogenic. Please note: this variant was assessed in the context of healthy population screening.

Fulgent Genetics
Classification: Pathogenic for Joubert syndrome 3. Last evaluated: 2024-04-17. Review status: criteria provided, single submitter. Criteria: ACMG Guidelines, 2015. Collection method: clinical testing. Allele origin: germline.

Labcorp Genetics (formerly Invitae), Labcorp
Classification: Pathogenic for Joubert syndrome. Last evaluated: 2024-02-23. Review status: criteria provided, single submitter. Criteria: Invitae Variant Classification Sherloc (09022015). Collection method: clinical testing. Allele origin: germline.
Comment: This sequence change creates a premature translational stop signal (p.Ser221*) in the AHI1 gene. It is expected to result in an absent or disrupted protein product. Loss-of-function variants in AHI1 are known to be pathogenic (PMID: 15322546, 16453322, 28442542, 29186038). This variant is present in population databases (no rsID available, gnomAD 0.0009%). This premature translational stop signal has been observed in individual(s) with clinical features of AHI1-related conditions (PMID: 16453322, 26092869). ClinVar contains an entry for this variant (Variation ID: 217538). For these reasons, this variant has been classified as Pathogenic.

Women's Health and Genetics/Laboratory Corporation of America, LabCorp
Classification: Pathogenic for Joubert syndrome and related disorders. Last evaluated: 2022-11-16. Review status: criteria provided, single submitter. Criteria: LabCorp Variant Classification Summary - May 2015. Collection method: clinical testing. Allele origin: germline.
Comment: Variant summary: AHI1 c.662C>G (p.Ser221X) results in a premature termination codon, predicted to cause a truncation of the encoded protein or absence of the protein due to nonsense mediated decay, which are commonly known mechanisms for disease. Truncations downstream of this position are classified as pathogenic in ClinVar. The variant allele was found at a frequency of 4.3e-06 in 233274 control chromosomes. c.662C>G has been reported in the literature in individuals affected with Joubert Syndrome And Related Disorders (Valente_2006, Parsi_2006, Bachman-Gagescu_2015), and these individuals are reported as compound heterozygous, carrying other (likely) pathogenic variants. These data indicate that the variant is likely to be associated with disease. To our knowledge, no experimental evidence demonstrating an impact on protein function has been reported. One clinical diagnostic laboratory has submitted clinical-significance assessments for this variant to ClinVar after 2014 without evidence for independent evaluation, classifying the variant as pathogenic. Based on the evidence outlined above, the variant was classified as pathogenic.

Blueprint Genetics
Classification: Pathogenic for AHI1-related disorders. Last evaluated: 2021-03-13. Review status: criteria provided, single submitter. Criteria: ACMG Guidelines, 2015. Collection method: clinical testing. Allele origin: germline. Affected: yes. Observed: 2 variant alleles.

UW Hindbrain Malformation Research Program, University of Washington
Classification: Pathogenic for Joubert syndrome 3. Last evaluated: 2015-02-23. Review status: criteria provided, single submitter. Criteria: Bachmann-Gagescu et al. (J Med Genet. 2015). Collection method: research. Allele origin: unknown. Affected: yes.

Literature cited by the submitters: PubMed 15322546 (cited by Labcorp Genetics (formerly Invitae), Labcorp); PubMed 16453322 (cited by Labcorp Genetics (formerly Invitae), Labcorp and Women's Health and Genetics/Laboratory Corporation of America, LabCorp); PubMed 28442542 (cited by Labcorp Genetics (formerly Invitae), Labcorp); PubMed 29186038 (cited by Labcorp Genetics (formerly Invitae), Labcorp); PubMed 26092869 (cited by Labcorp Genetics (formerly Invitae), Labcorp and Women's Health and Genetics/Laboratory Corporation of America, LabCorp); PubMed 31624253 (cited by Women's Health and Genetics/Laboratory Corporation of America, LabCorp); PubMed 16155189 (cited by Women's Health and Genetics/Laboratory Corporation of America, LabCorp); PubMed 17377524 (cited by Women's Health and Genetics/Laboratory Corporation of America, LabCorp).